The following is an entry in ClinVar:

ClinVar aggregate classification (germline): Uncertain significance. Review status: criteria provided, multiple submitters, no conflicts (2 of 4 stars). 2 submissions from 2 submitters: Uncertain significance (2). Last evaluated 2022-03-11.

Allele frequency attached by ClinVar (database versions not stated): TOPMed below 0.00001; gnomAD 0.00002.

Submissions (2):

Labcorp Genetics (formerly Invitae), Labcorp
Classification: Uncertain significance. Last evaluated: 2022-03-11. Review status: criteria provided, single submitter. Criteria: Invitae Variant Classification Sherloc (09022015). Collection method: clinical testing. Allele origin: germline.
Comment: This sequence change replaces arginine, which is basic and polar, with glutamine, which is neutral and polar, at codon 88 of the ARSG protein (p.Arg88Gln). This variant is present in population databases (rs760615747, gnomAD 0.004%). This variant has not been reported in the literature in individuals affected with ARSG-related conditions. ClinVar contains an entry for this variant (Variation ID: 1019707). Algorithms developed to predict the effect of missense changes on protein structure and function are either unavailable or do not agree on the potential impact of this missense change (SIFT: "Deleterious"; PolyPhen-2: "Probably Damaging"; Align-GVGD: "Class C0"). Algorithms developed to predict the effect of sequence changes on RNA splicing suggest that this variant may create or strengthen a splice site. In summary, the available evidence is currently insufficient to determine the role of this variant in disease. Therefore, it has been classified as a Variant of Uncertain Significance.

Blueprint Genetics
Classification: Uncertain significance. Last evaluated: 2019-12-13. Review status: criteria provided, single submitter. Criteria: ACMG Guidelines, 2015. Collection method: clinical testing. Allele origin: germline.

NM_001267727.2(ARSG):c.263G>A (p.Arg88Gln)

Gene: ARSG (arylsulfatase G; plus strand). Cytogenetic location: 17q24.2.
Variant type: single nucleotide variant.
Coding change: c.263G>A on transcript NM_001267727.2 (MANE Select); coding-DNA position 263, G replaced by A.
Protein change: p.Arg88Gln; replaces arginine 88 with glutamine.
Molecular consequence: missense variant.
Genome position (GRCh38, 1-based): chr17:68,343,648, G>A. VCF-style: chr17-68343648-G-A. GRCh37 (hg19) VCF-style: chr17-66339789-G-A.
Other names: c.263G>A, p.Arg88Gln (NM_001352899.2, NM_001352900.2, NM_001352901.2 and 9 more transcripts); short protein forms R88Q.
Identifiers: ClinVar variation 1019707 (VCV001019707.5), dbSNP rs760615747, ClinGen allele CA8728146.
Genomic context (GRCh38, chr17:68,343,648, plus strand): 5'-TGTCCTTTCCCTGCAGGTTTGTGGATTTCCATGCAGCTGCCTCCACCTGCTCACCCTCCC[G>A]GGCTTCCTTGCTCACCGGCCGGCTTGGCCTTCGCAATGGAGTCACACGCAACTTTGCAGT-3'
Protein context (NP_001254656.1, residues 78-98): HAAASTCSPS[Arg88Gln]ASLLTGRLGL